The following is an entry in ClinVar:

NM_003718.5(CDK13):c.1577C>G (p.Pro526Arg)

Gene: CDK13 (cyclin dependent kinase 13; plus strand). Cytogenetic location: 7p14.1.
Variant type: single nucleotide variant.
Coding change: c.1577C>G on transcript NM_003718.5 (MANE Select); coding-DNA position 1577, C replaced by G.
Protein change: p.Pro526Arg; replaces proline 526 with arginine.
Molecular consequence: missense variant.
Genome position (GRCh38, 1-based): chr7:39,987,964, C>G. VCF-style: chr7-39987964-C-G. GRCh37 (hg19) VCF-style: chr7-40027563-C-G.
Other names: c.1577C>G, p.Pro526Arg (NM_031267.4); short protein forms P526R.
Identifiers: ClinVar variation 2896766 (VCV002896766.4), dbSNP rs1179510951, ClinGen allele CA367283399.
Genomic context (GRCh38, chr7:39,987,964, plus strand): 5'-CATCACAAACAAACCATGTGAAGGATGTGAAGAAAATTAAAATTGAACATGCACCTTCTC[C>G]CTCAAGTGGTGGAACTTTAAAAAATGACAAAGCAAAAACAAAGCCACCTCTTCAGGTAAC-3'
Protein context (NP_003709.3, residues 516-536): KKIKIEHAPS[Pro526Arg]SSGGTLKNDK

ClinVar aggregate classification (germline): Uncertain significance. Review status: criteria provided, multiple submitters, no conflicts (2 of 4 stars). 2 submissions from 2 submitters: Uncertain significance (2). Last evaluated 2025-05-27.

Allele frequency attached by ClinVar (database versions not stated): gnomAD exomes below 0.00001; TOPMed below 0.00001; gnomAD 0.00001.
gnomAD v4.1: 3 of 1,613,972 alleles (0.00019%); highest among the groups gnomAD compares: Non-Finnish European, 0.00025%; no homozygotes.

Submissions (2):

GeneDx
Classification: Uncertain significance. Last evaluated: 2025-05-27. Review status: criteria provided, single submitter. Criteria: GeneDx Variant Classification Process June 2021. Collection method: clinical testing. Allele origin: germline. Affected: yes.
Comment: In silico analysis supports that this missense variant has a deleterious effect on protein structure/function; Has not been previously published as pathogenic or benign to our knowledge

Labcorp Genetics (formerly Invitae), Labcorp
Classification: Uncertain significance. Last evaluated: 2023-05-10. Review status: criteria provided, single submitter. Criteria: Invitae Variant Classification Sherloc (09022015). Collection method: clinical testing. Allele origin: germline.
Comment: This sequence change replaces proline, which is neutral and non-polar, with arginine, which is basic and polar, at codon 526 of the CDK13 protein (p.Pro526Arg). This variant is present in population databases (no rsID available, gnomAD 0.007%). This variant has not been reported in the literature in individuals affected with CDK13-related conditions. Advanced modeling of protein sequence and biophysical properties (such as structural, functional, and spatial information, amino acid conservation, physicochemical variation, residue mobility, and thermodynamic stability) has been performed at Invitae for this missense variant, however the output from this modeling did not meet the statistical confidence thresholds required to predict the impact of this variant on CDK13 protein function. In summary, the available evidence is currently insufficient to determine the role of this variant in disease. Therefore, it has been classified as a Variant of Uncertain Significance.